The following is an entry in ClinVar:

ClinVar aggregate classification (germline): Likely pathogenic (1 of 4 stars; one submission).

Conditions:
Acyl-CoA oxidase deficiency. Also called: STRAIGHT-CHAIN ACYL-CoA OXIDASE DEFICIENCY; Pseudoneonatal adrenoleukodystrophy; Peroxisomal acyl-CoA oxidase deficiency. Identifiers: Orphanet 2971, MedGen C1849678, MONDO:0009919, OMIM 264470. Disease mechanism: loss of function.

Submission:

Juno Genomics, Hangzhou Juno Genomics, Inc
Classification: Likely pathogenic for Acyl-CoA oxidase deficiency. Review status: criteria provided, single submitter. Criteria: ACMG Guidelines, 2015. Collection method: clinical testing. Allele origin: germline.
Comment: Null variant in a gene where loss of function (LOF) is a known mechanism of disease.;Absent from controls (or at extremely low frequency if recessive) in Genome Aggregation Database.

NM_004035.7(ACOX1):c.1841del (p.Asp614fs)

Gene: ACOX1 (acyl-CoA oxidase 1; minus strand). Cytogenetic location: 17q25.1.
Variant type: Deletion.
Coding change: c.1841del on transcript NM_004035.7 (MANE Select); coding-DNA position 1841, one base deleted (A; older notation c.1841delA).
Protein change: p.Asp614fs; shifts the reading frame from aspartic acid 614.
Molecular consequence: frameshift variant.
Genome position (GRCh38, 1-based): chr17:75,948,345, T deleted on the plus strand (A on the coding strand, the reverse complement: ACOX1 is on the minus strand). VCF-style (leftmost placement, unchanged base first): chr17-75948344-AT-A. GRCh37 (hg19) VCF-style: chr17-73944425-AT-A.
Other names: c.1727del, p.Asp576fs (NM_001185039.2); c.1841del, p.Asp614fs (NM_007292.6); short protein forms D614fs, D576fs.
Identifiers: ClinVar variation 5005818 (VCV005005818.2).